The following is an entry in ClinVar:

ClinVar aggregate classification (germline): Uncertain significance (1 of 4 stars; one submission).

Conditions:
Infantile-onset ascending hereditary spastic paralysis (IAHSP). Also called: Autosomal Recessive Juvenile Amyotrophic Lateral Sclerosis; Infantile-Onset Ascending Hereditary Spastic Paralysis (IAHSP). Identifiers: Orphanet 293168, MedGen C2931441, MONDO:0011797, OMIM 607225. Disease mechanism: loss of function.

Allele frequency attached by ClinVar (database versions not stated): gnomAD 0.00001; gnomAD exomes 0.00002.
gnomAD v4.1: 29 of 1,613,904 alleles (0.0018%); highest among the groups gnomAD compares: Non-Finnish European, 0.0025%; no homozygotes.

Submission:

Labcorp Genetics (formerly Invitae), Labcorp
Classification: Uncertain significance for Infantile-onset ascending hereditary spastic paralysis. Last evaluated: 2022-07-20. Review status: criteria provided, single submitter. Criteria: Invitae Variant Classification Sherloc (09022015). Collection method: clinical testing. Allele origin: germline.
Comment: This sequence change replaces glycine, which is neutral and non-polar, with aspartic acid, which is acidic and polar, at codon 558 of the ALS2 protein (p.Gly558Asp). In summary, the available evidence is currently insufficient to determine the role of this variant in disease. Therefore, it has been classified as a Variant of Uncertain Significance. Algorithms developed to predict the effect of missense changes on protein structure and function are either unavailable or do not agree on the potential impact of this missense change (SIFT: "Deleterious"; PolyPhen-2: "Benign"; Align-GVGD: "Class C0"). This variant has not been reported in the literature in individuals affected with ALS2-related conditions. This variant is present in population databases (no rsID available, gnomAD 0.0009%).

NM_020919.4(ALS2):c.1673G>A (p.Gly558Asp)

Gene: ALS2 (alsin Rho guanine nucleotide exchange factor ALS2; minus strand). Cytogenetic location: 2q33.1.
Variant type: single nucleotide variant.
Coding change: c.1673G>A on transcript NM_020919.4 (MANE Select); coding-DNA position 1673, G replaced by A.
Protein change: p.Gly558Asp; replaces glycine 558 with aspartic acid.
Molecular consequence: missense variant.
Genome position (GRCh38, 1-based): chr2:201,753,210, C>T on the plus strand (G>A on the coding strand, the complement: ALS2 is on the minus strand). VCF-style: chr2-201753210-C-T. GRCh37 (hg19) VCF-style: chr2-202617933-C-T.
Other names: c.1673G>A, p.Gly558Asp (NM_001410975.1); short protein forms G558D.
Identifiers: ClinVar variation 2008292 (VCV002008292.4), dbSNP rs1007919446, ClinGen allele CA63964981.